The following is an entry in ClinVar:

NM_007255.3(B4GALT7):c.329T>G (p.Val110Gly)

Gene: B4GALT7 (beta-1,4-galactosyltransferase 7; plus strand). Cytogenetic location: 5q35.3.
Variant type: single nucleotide variant.
Coding change: c.329T>G on transcript NM_007255.3 (MANE Select); coding-DNA position 329, T replaced by G.
Protein change: p.Val110Gly; replaces valine 110 with glycine.
Molecular consequence: missense variant.
Genome position (GRCh38, 1-based): chr5:177,604,457, T>G. VCF-style: chr5-177604457-T-G. GRCh37 (hg19) VCF-style: chr5-177031458-T-G.
Other names: short protein forms V110G.
Identifiers: ClinVar variation 4759197 (VCV004759197.1).

ClinVar aggregate classification (germline): Uncertain significance (1 of 4 stars; one submission).

Conditions:
Spondylodysplastic Ehlers-Danlos syndrome. Identifiers: Orphanet 536471, Orphanet 75496, MedGen C5680154, MONDO:0007526.

Submission:

Labcorp Genetics (formerly Invitae), Labcorp
Classification: Uncertain significance for Spondylodysplastic Ehlers-Danlos syndrome. Last evaluated: 2026-01-12. Review status: criteria provided, single submitter. Criteria: Invitae Variant Classification Sherloc (09022015). Collection method: clinical testing. Allele origin: germline.
Comment: This sequence change replaces valine, which is neutral and non-polar, with glycine, which is neutral and non-polar, at codon 110 of the B4GALT7 protein (p.Val110Gly). This variant is not present in population databases (gnomAD no frequency). This variant has not been reported in the literature in individuals affected with B4GALT7-related conditions. Invitae Evidence Modeling of protein sequence and biophysical properties (such as structural, functional, and spatial information, amino acid conservation, physicochemical variation, residue mobility, and thermodynamic stability) indicates that this missense variant is not expected to disrupt B4GALT7 protein function with a negative predictive value of 80%. In summary, the available evidence is currently insufficient to determine the role of this variant in disease. Therefore, it has been classified as a Variant of Uncertain Significance.